The following is an entry in ClinVar:

ClinVar aggregate classification (germline): Uncertain significance (1 of 4 stars; one submission).

Conditions:
Angelman syndrome-like. Identifiers: MedGen CN128785.
Developmental and epileptic encephalopathy, 2 (DEE2). Also called: INFANTILE SPASM SYNDROME, X-LINKED 2; CDKL5 deficiency disorder. Identifiers: Orphanet 1934, Orphanet 3451, Orphanet 505652, MedGen C4750718, MONDO:0010396, OMIM 300672.

Submission:

Labcorp Genetics (formerly Invitae), Labcorp
Classification: Uncertain significance for Developmental and epileptic encephalopathy, 2; Angelman syndrome-like. Last evaluated: 2021-06-06. Review status: criteria provided, single submitter. Criteria: Invitae Variant Classification Sherloc (09022015). Collection method: clinical testing. Allele origin: germline.
Comment: This sequence change replaces serine with asparagine at codon 628 of the CDKL5 protein (p.Ser628Asn). The serine residue is moderately conserved and there is a small physicochemical difference between serine and asparagine. This variant is not present in population databases (ExAC no frequency). This variant has not been reported in the literature in individuals with CDKL5-related conditions. Advanced modeling of protein sequence and biophysical properties (such as structural, functional, and spatial information, amino acid conservation, physicochemical variation, residue mobility, and thermodynamic stability) performed at Invitae indicates that this missense variant is not expected to disrupt CDKL5 protein function. In summary, the available evidence is currently insufficient to determine the role of this variant in disease. Therefore, it has been classified as a Variant of Uncertain Significance.

NM_001323289.2(CDKL5):c.1883G>A (p.Ser628Asn)

Gene: CDKL5 (cyclin dependent kinase like 5; plus strand). Cytogenetic location: Xp22.13.
Variant type: single nucleotide variant.
Coding change: c.1883G>A on transcript NM_001323289.2 (MANE Select); coding-DNA position 1883, G replaced by A.
Protein change: p.Ser628Asn; replaces serine 628 with asparagine.
Molecular consequence: missense variant.
Genome position (GRCh38, 1-based): chrX:18,604,807, G>A. VCF-style: chrX-18604807-G-A. GRCh37 (hg19) VCF-style: chrX-18622927-G-A.
Other names: c.1883G>A, p.Ser628Asn (NM_001037343.2, NM_003159.3); short protein forms S628N.
Identifiers: ClinVar variation 1404233 (VCV001404233.8), dbSNP rs2147161274, ClinGen allele CA412363604.